The following is an entry in ClinVar:

ClinVar aggregate classification (germline): Likely pathogenic. Review status: criteria provided, multiple submitters, no conflicts (2 of 4 stars). 2 submissions from 2 submitters: Likely pathogenic (2). Last evaluated 2025-06-13.

Conditions:
Autosomal recessive limb-girdle muscular dystrophy type 2J (LGMDR10). Also called: Limb-girdle muscular dystrophy, type 2J; MUSCULAR DYSTROPHY, LIMB-GIRDLE, AUTOSOMAL RECESSIVE 10. Identifiers: Orphanet 140922, MedGen C1837342, MONDO:0012127, OMIM 608807.
Dilated cardiomyopathy 1G (CMD1G). Identifiers: Orphanet 154, MedGen C1858763, MONDO:0011400, OMIM 604145.

Allele frequency attached by ClinVar (database versions not stated): gnomAD exomes below 0.00001; ExAC 0.00001; ESP Exome Variant Server 0.00008.
gnomAD v4.1: 1 of 1,613,668 alleles (0.000062%); highest among the groups gnomAD compares: Non-Finnish European, 0.000085%; no homozygotes.

Submissions (2):

GeneDx
Classification: Likely pathogenic. Last evaluated: 2025-06-13. Review status: criteria provided, single submitter. Criteria: GeneDx Variant Classification Process June 2021. Collection method: clinical testing. Allele origin: germline. Affected: yes.
Comment: Nonsense variant predicted to result in protein truncation or nonsense mediated decay in a gene for which loss of function is a known mechanism of disease; Not observed at significant frequency in large population cohorts (gnomAD); Has not been previously published as pathogenic or benign to our knowledge; This variant is associated with the following publications: (PMID: 31589614, 22335739, 32778822)

Labcorp Genetics (formerly Invitae), Labcorp
Classification: Likely pathogenic for Dilated cardiomyopathy 1G; Autosomal recessive limb-girdle muscular dystrophy type 2J. Last evaluated: 2023-06-23. Review status: criteria provided, single submitter. Criteria: Invitae Variant Classification Sherloc (09022015). Collection method: clinical testing. Allele origin: germline.
Comment: This sequence change creates a premature translational stop signal (p.Glu27315*) in the TTN gene. While this is not anticipated to result in nonsense mediated decay, it is expected to create a truncated TTN protein. This variant is present in population databases (rs373533040, gnomAD 0.0009%). This premature translational stop signal has been observed in individual(s) with clinical features of TTN-related conditions (Invitae). ClinVar contains an entry for this variant (Variation ID: 466660). This variant is located in the A band of TTN (PMID: 25589632). Truncating variants in this region are significantly overrepresented in patients affected with dilated cardiomyopathy (PMID: 25589632). Truncating variants in this region have also been reported in individuals affected with autosomal recessive centronuclear myopathy (PMID: 23975875). In summary, the currently available evidence indicates that the variant is pathogenic, but additional data are needed to prove that conclusively. Therefore, this variant has been classified as Likely Pathogenic.

Literature cited by the submitters: PubMed 25589632 (cited by Labcorp Genetics (formerly Invitae), Labcorp); PubMed 23975875 (cited by Labcorp Genetics (formerly Invitae), Labcorp).

NM_001267550.2(TTN):c.81943G>T (p.Glu27315Ter)

Genes: TTN-AS1 (TTN antisense RNA 1; plus strand), TTN (titin; minus strand). Cytogenetic location: 2q31.2.
Variant type: single nucleotide variant.
Coding change: c.81943G>T on transcript NM_001267550.2 (MANE Select); coding-DNA position 81943, G replaced by T.
Protein change: p.Glu27315Ter; replaces glutamic acid 27315 with a stop codon.
Molecular consequence: nonsense.
Genome position (GRCh38, 1-based): chr2:178,564,189, C>A on the plus strand (G>T on the coding strand, the complement: TTN is on the minus strand). VCF-style: chr2-178564189-C-A. GRCh37 (hg19) VCF-style: chr2-179428916-C-A.
Other names: c.77020G>T, p.Glu25674Ter (NM_001256850.1); c.54748G>T, p.Glu18250Ter (NM_003319.4); c.74239G>T, p.Glu24747Ter (NM_133378.4); c.55123G>T, p.Glu18375Ter (NM_133432.3); c.55324G>T, p.Glu18442Ter (NM_133437.4); c.81943G>T (NM_001267550.1); short protein forms E27315*, E24747*, E18375*, E18250*, E18442*, E25674*.
Identifiers: ClinVar variation 466660 (VCV000466660.11), dbSNP rs373533040, ClinGen allele CA1989132.